The following is an entry in ClinVar:

NM_000093.5(COL5A1):c.2042G>T (p.Arg681Leu)

Gene: COL5A1 (collagen type V alpha 1 chain; plus strand). Cytogenetic location: 9q34.3.
Variant type: single nucleotide variant.
Coding change: c.2042G>T on transcript NM_000093.5 (MANE Select); coding-DNA position 2042, G replaced by T.
Protein change: p.Arg681Leu; replaces arginine 681 with leucine.
Molecular consequence: missense variant.
Genome position (GRCh38, 1-based): chr9:134,765,688, G>T. VCF-style: chr9-134765688-G-T. GRCh37 (hg19) VCF-style: chr9-137657534-G-T.
Other names: c.2042G>T, p.Arg681Leu (NM_001278074.1); short protein forms R681L.
Identifiers: ClinVar variation 2764231 (VCV002764231.4), dbSNP rs371580094, ClinGen allele CA375446889.

ClinVar aggregate classification (germline): Uncertain significance. Review status: criteria provided, multiple submitters, no conflicts (2 of 4 stars). 2 submissions from 2 submitters: Uncertain significance (2). Last evaluated 2024-11-14.

Conditions:
Ehlers-Danlos syndrome, classic type, 1 (EDSCL1). Also called: Ehlers-Danlos Syndrome, Classic Type, COL5A1-Related; Ehlers-Danlos syndrome, type 1; EHLERS-DANLOS SYNDROME, GRAVIS TYPE; EHLERS-DANLOS SYNDROME, SEVERE CLASSIC TYPE; EDS I. Identifiers: MedGen C0268335, MONDO:0019567, OMIM 130000.

gnomAD v4.1: 2 of 1,613,676 alleles (0.00012%); highest among the groups gnomAD compares: Non-Finnish European, 0.00017%; no homozygotes.

Submissions (2):

Blueprint Genetics
Classification: Uncertain significance. Last evaluated: 2024-11-14. Review status: criteria provided, single submitter. Criteria: ACMG Guidelines, 2015. Collection method: clinical testing. Allele origin: germline.

Labcorp Genetics (formerly Invitae), Labcorp
Classification: Uncertain significance for Ehlers-Danlos syndrome, classic type, 1. Last evaluated: 2023-06-29. Review status: criteria provided, single submitter. Criteria: Invitae Variant Classification Sherloc (09022015). Collection method: clinical testing. Allele origin: germline.
Comment: This sequence change replaces arginine, which is basic and polar, with leucine, which is neutral and non-polar, at codon 681 of the COL5A1 protein (p.Arg681Leu). This variant is not present in population databases (gnomAD no frequency). This variant has not been reported in the literature in individuals affected with COL5A1-related conditions. Advanced modeling of protein sequence and biophysical properties (such as structural, functional, and spatial information, amino acid conservation, physicochemical variation, residue mobility, and thermodynamic stability) performed at Invitae indicates that this missense variant is expected to disrupt COL5A1 protein function. In summary, the available evidence is currently insufficient to determine the role of this variant in disease. Therefore, it has been classified as a Variant of Uncertain Significance.